The following is an entry in ClinVar:

ClinVar aggregate classification (germline): Likely pathogenic. Review status: criteria provided, multiple submitters, no conflicts (2 of 4 stars). 2 submissions from 2 submitters: Likely pathogenic (2). Last evaluated 2021-12-05.

Submissions (2):

Centre of Medical Genetics, University Hospital Muenster
Classification: Likely pathogenic. Last evaluated: 2021-12-05. Review status: criteria provided, single submitter. Criteria: ACMG Guidelines, 2015. Collection method: clinical testing. Allele origin: unknown. Affected: yes. Observed: 1 variant allele, 1 heterozygote.
Comment: ACMG categories: PM1,PM2,PP3,PP5

GeneDx
Classification: Likely pathogenic. Last evaluated: 2018-01-12. Review status: criteria provided, single submitter. Criteria: GeneDx Variant Classification (06012015). Collection method: clinical testing. Allele origin: germline. Affected: yes.
Comment: p.Met367Val (ATG>GTG): c.1099 A>G in exon 9 of the SCN8A gene (NM_014191.3). The M367V variant has not been published as a mutation, nor has it been reported as a benign polymorphism to our knowledge. It was not observed in approximately 6,000 individuals of European and African American ancestry in the NHLBI Exome Sequencing Project, indicating it is not a common benign variant in these populations. This substitution alters a conserved position in the pore loop between the S5 and S6 transmembrane segments of the first homologous domain of the protein. However, missense mutations in nearby residues have not been reported in association with SCN8A-related disorders. Additionally, the M367V variant is a conservative amino acid substitution, which is not likely to impact secondary protein structure as these residues share similar properties. In silico analysis is inconsistent in its predictions as to whether or not the variant is damaging to the protein structure/function. This variant has been observed de novo without verified parentage. The variant is found in INFANT-EPI panel(s).

NM_001330260.2(SCN8A):c.1099A>G (p.Met367Val)

Gene: SCN8A (sodium voltage-gated channel alpha subunit 8; plus strand). Cytogenetic location: 12q13.13.
Variant type: single nucleotide variant.
Coding change: c.1099A>G on transcript NM_001330260.2 (MANE Select); coding-DNA position 1099, A replaced by G.
Protein change: p.Met367Val; replaces methionine 367 with valine.
Molecular consequence: missense variant.
Genome position (GRCh38, 1-based): chr12:51,702,879, A>G. VCF-style: chr12-51702879-A-G. GRCh37 (hg19) VCF-style: chr12-52096663-A-G.
Other names: p.M367V:ATG>GTG; c.1099A>G, p.Met367Val (NM_001177984.3, NM_001369788.1, NM_014191.4); short protein forms M367V.
Identifiers: ClinVar variation 207105 (VCV000207105.5), dbSNP rs796053209, ClinGen allele CA318248.